The following is an entry in ClinVar:

ClinVar aggregate classification (germline): Likely pathogenic (1 of 4 stars; one submission).

Conditions:
Fabry disease. Also called: Fabry's disease; GLA DEFICIENCY; HEREDITARY DYSTOPIC LIPIDOSIS; Ceramide trihexosidosis; Angiokeratoma corporis diffusum; ALPHA-GALACTOSIDASE A DEFICIENCY. Identifiers: Orphanet 324, MedGen C0002986, MONDO:0010526, OMIM 301500, HP:0001071. Disease mechanism: Fabry disease is due to inactivating mutations in the X-linked GLA gene resulting in deficiency of the enzyme Alpha Galactosidase-A., loss of function.

Submission:

Genetics Laboratory, Great Ormond Street Hospital NHS Foundation Trust, North Thames Genomic Laboratory Hub
Classification: Likely pathogenic for Fabry disease. Last evaluated: 2026-06-01. Review status: criteria provided, single submitter. Criteria: ACGS Best Practice Guidelines for Variant Classification in Rare Disease 2024 v1.2. Collection method: clinical testing. Allele origin: germline. Affected: yes.
Comment: PM2_moderate, PP3_supporting, PM5_supporting, PP4_strong

NM_000169.3(GLA):c.1049C>A (p.Ala350Asp)

Genes: GLA (galactosidase alpha; minus strand), RPL36A-HNRNPH2 (RPL36A-HNRNPH2 readthrough; plus strand). Cytogenetic location: Xq22.1.
Variant type: single nucleotide variant.
Coding change: c.1049C>A on transcript NM_000169.3 (MANE Select); coding-DNA position 1049, C replaced by A.
Protein change: p.Ala350Asp; replaces alanine 350 with aspartic acid.
Molecular consequence: missense variant. On other transcripts: non-coding transcript variant (3), intron variant (2).
Genome position (GRCh38, 1-based): chrX:101,398,050, G>T on the plus strand (C>A on the coding strand, the complement: GLA is on the minus strand). VCF-style: chrX-101398050-G-T. GRCh37 (hg19) VCF-style: chrX-100653038-G-T.
Other names: c.1172C>A, p.Ala391Asp (NM_001406747.1); c.300+2593G>T (NM_001199973.2); c.177+6228G>T (NM_001199974.2); short protein forms A350D, A391D.
Identifiers: ClinVar variation 4879467 (VCV004879467.1).
Genomic context (GRCh38, chrX:101,398,050, plus strand): 5'-GCAACTGCGATGGTATAAGAGCGAGGTCCACCAATCTCCTGCCGGTTTATCATAGCTACA[G>T]CCCAGGCTAAGCCTGAGAGAGGTCGTTCCCACACTTCAAAGTTGTCTCCCTGAAAAACCA-3'
Protein context (NP_000160.1, residues 340-360): WERPLSGLAW[Ala350Asp]VAMINRQEIG